The following is an entry in ClinVar:

ClinVar aggregate classification (germline): Uncertain significance (1 of 4 stars; one submission).

Conditions:
Autosomal dominant childhood-onset proximal spinal muscular atrophy with contractures (SMALED2A). Also called: SPINAL MUSCULAR ATROPHY, LOWER EXTREMITY-PREDOMINANT, 2A, CHILDHOOD ONSET, AUTOSOMAL DOMINANT; Spinal muscular atrophy, lower extremity-predominant, 2A, autosomal dominant. Identifiers: Orphanet 363447, Orphanet 363454, MedGen C4747715, MONDO:0014121, OMIM 615290.

Submission:

Labcorp Genetics (formerly Invitae), Labcorp
Classification: Uncertain significance for Autosomal dominant childhood-onset proximal spinal muscular atrophy with contractures. Last evaluated: 2024-10-12. Review status: criteria provided, single submitter. Criteria: Invitae Variant Classification Sherloc (09022015). Collection method: clinical testing. Allele origin: germline.
Comment: This sequence change replaces aspartic acid, which is acidic and polar, with alanine, which is neutral and non-polar, at codon 666 of the BICD2 protein (p.Asp666Ala). This variant is not present in population databases (gnomAD no frequency). This variant has not been reported in the literature in individuals affected with BICD2-related conditions. ClinVar contains an entry for this variant (Variation ID: 643137). Invitae Evidence Modeling of protein sequence and biophysical properties (such as structural, functional, and spatial information, amino acid conservation, physicochemical variation, residue mobility, and thermodynamic stability) indicates that this missense variant is not expected to disrupt BICD2 protein function with a negative predictive value of 80%. In summary, the available evidence is currently insufficient to determine the role of this variant in disease. Therefore, it has been classified as a Variant of Uncertain Significance.

NM_001003800.2(BICD2):c.1997A>C (p.Asp666Ala)

Gene: BICD2 (BICD cargo adaptor 2; minus strand). Cytogenetic location: 9q22.31.
Variant type: single nucleotide variant.
Coding change: c.1997A>C on transcript NM_001003800.2 (MANE Select); coding-DNA position 1997, A replaced by C.
Protein change: p.Asp666Ala; replaces aspartic acid 666 with alanine.
Molecular consequence: missense variant.
Genome position (GRCh38, 1-based): chr9:92,718,648, T>G on the plus strand (A>C on the coding strand, the complement: BICD2 is on the minus strand). VCF-style: chr9-92718648-T-G. GRCh37 (hg19) VCF-style: chr9-95480930-T-G.
Other names: c.1997A>C, p.Asp666Ala (NM_015250.4); short protein forms D666A.
Identifiers: ClinVar variation 643137 (VCV000643137.7), dbSNP rs1587668190, ClinGen allele CA374034525.